The following is an entry in ClinVar:

NM_000363.5(TNNI3):c.308G>T (p.Arg103Leu)

Gene: TNNI3 (troponin I3, cardiac type; minus strand). Cytogenetic location: 19q13.42.
Variant type: single nucleotide variant.
Coding change: c.308G>T on transcript NM_000363.5 (MANE Select); coding-DNA position 308, G replaced by T.
Protein change: p.Arg103Leu; replaces arginine 103 with leucine.
Molecular consequence: missense variant.
Genome position (GRCh38, 1-based): chr19:55,154,805, C>A on the plus strand (G>T on the coding strand, the complement: TNNI3 is on the minus strand). VCF-style: chr19-55154805-C-A. GRCh37 (hg19) VCF-style: chr19-55666173-C-A.
Other names: c.308G>T (LRG_432t1); short protein forms R103L.
Identifiers: ClinVar variation 572938 (VCV000572938.11), dbSNP rs371000425, ClinGen allele CA310148848.

ClinVar aggregate classification (germline): Uncertain significance. Review status: criteria provided, multiple submitters, no conflicts (2 of 4 stars). 4 submissions from 4 submitters: Uncertain significance (4). Last evaluated 2025-06-26.

Conditions:
Cardiomyopathy (CMYO). Also called: Cardiomyopathies. Identifiers: Orphanet 167848, MedGen C0878544, MONDO:0004994, HP:0001638. Inheritance: Various modes of inheritance.
Hypertrophic cardiomyopathy. Also called: HYPERTROPHIC MYOCARDIOPATHY. Identifiers: Orphanet 217569, MedGen C0007194, MeSH D002312, MONDO:0005045, HP:0001639.
Cardiovascular phenotype. Identifiers: MedGen CN230736.

Submissions (4):

Ambry Genetics
Classification: Uncertain significance for Cardiovascular phenotype. Last evaluated: 2025-06-26. Review status: criteria provided, single submitter. Criteria: Ambry Variant Classification Scheme 2023. Collection method: clinical testing. Allele origin: germline.
Comment: The p.R103L variant (also known as c.308G>T), located in coding exon 6 of the TNNI3 gene, results from a G to T substitution at nucleotide position 308. The arginine at codon 103 is replaced by leucine, an amino acid with dissimilar properties. This amino acid position is not well conserved in available vertebrate species. In addition, the in silico prediction for this alteration is inconclusive. Based on the available evidence, the clinical significance of this variant remains unclear.

Labcorp Genetics (formerly Invitae), Labcorp
Classification: Uncertain significance for Hypertrophic cardiomyopathy. Last evaluated: 2024-08-29. Review status: criteria provided, single submitter. Criteria: Invitae Variant Classification Sherloc (09022015). Collection method: clinical testing. Allele origin: germline.
Comment: This sequence change replaces arginine, which is basic and polar, with leucine, which is neutral and non-polar, at codon 103 of the TNNI3 protein (p.Arg103Leu). This variant is present in population databases (rs371000425, gnomAD 0.006%). This variant has not been reported in the literature in individuals affected with TNNI3-related conditions. ClinVar contains an entry for this variant (Variation ID: 572938). An algorithm developed to predict the effect of missense changes on protein structure and function (PolyPhen-2) suggests that this variant is likely to be tolerated. In summary, the available evidence is currently insufficient to determine the role of this variant in disease. Therefore, it has been classified as a Variant of Uncertain Significance.

All of Us Research Program, National Institutes of Health
Classification: Uncertain significance for Hypertrophic cardiomyopathy. Last evaluated: 2024-05-30. Review status: criteria provided, single submitter. Criteria: ACMG Guidelines, 2015. Collection method: clinical testing. Allele origin: germline. Inheritance: Autosomal dominant inheritance. Observed: 1 variant allele, 1 heterozygote.
Comment: This missense variant replaces arginine with leucine at codon 103 of the TNNI3 protein. Computational prediction suggests that this variant may not impact protein structure and function (internally defined REVEL score threshold <= 0.5, PMID: 27666373). To our knowledge, functional studies have not been reported for this variant. This variant has not been reported in individuals affected with TNNI3-related disorders in the literature. This variant has not been identified in the general population by the Genome Aggregation Database (gnomAD). The available evidence is insufficient to determine the role of this variant in disease conclusively. Therefore, this variant is classified as a Variant of Uncertain Significance.

This study involves interpretation of variants in research participants for the purpose of population health screening. Participant phenotype was not available at the time of variant classification. Additional details can be found in publication PMID: 35346344, PMCID: PMC8962531

Color Diagnostics, LLC DBA Color Health
Classification: Uncertain significance for Cardiomyopathy. Last evaluated: 2024-05-07. Review status: criteria provided, single submitter. Criteria: ACMG Guidelines, 2015. Collection method: clinical testing. Allele origin: germline.
Comment: This missense variant replaces arginine with leucine at codon 103 of the TNNI3 protein. Computational prediction suggests that this variant may not impact protein structure and function. To our knowledge, functional studies have not been reported for this variant. This variant has not been reported in individuals affected with TNNI3-related disorders in the literature. This variant has not been identified in the general population by the Genome Aggregation Database (gnomAD). The available evidence is insufficient to determine the role of this variant in disease conclusively. Therefore, this variant is classified as a Variant of Uncertain Significance.